The following is an entry in ClinVar:

ClinVar aggregate classification (germline): Uncertain significance (1 of 4 stars; one submission).

Conditions:
Peroxisome biogenesis disorder 9B. Also called: PEX7-Related Refsum Disease; Refsum disease, adult, 2; PEROXISOME BIOGENESIS DISORDER, PEX7-RELATED, ATYPICAL. Identifiers: Orphanet 773, MedGen C2749346, MONDO:0013945, OMIM 614879.

Submission:

Labcorp Genetics (formerly Invitae), Labcorp
Classification: Uncertain significance for Peroxisome biogenesis disorder 9B. Last evaluated: 2022-09-07. Review status: criteria provided, single submitter. Criteria: Invitae Variant Classification Sherloc (09022015). Collection method: clinical testing. Allele origin: germline.
Comment: In summary, the available evidence is currently insufficient to determine the role of this variant in disease. Therefore, it has been classified as a Variant of Uncertain Significance. Algorithms developed to predict the effect of missense changes on protein structure and function output the following: SIFT: "Tolerated"; PolyPhen-2: "Benign"; Align-GVGD: "Class C0". The methionine amino acid residue is found in multiple mammalian species, which suggests that this missense change does not adversely affect protein function. This variant has not been reported in the literature in individuals affected with PEX7-related conditions. This variant is not present in population databases (gnomAD no frequency). This sequence change replaces valine, which is neutral and non-polar, with methionine, which is neutral and non-polar, at codon 128 of the PEX7 protein (p.Val128Met).

NM_000288.4(PEX7):c.382G>A (p.Val128Met)

Gene: PEX7 (peroxisomal biogenesis factor 7; plus strand). Cytogenetic location: 6q23.3.
Variant type: single nucleotide variant.
Coding change: c.382G>A on transcript NM_000288.4 (MANE Select); coding-DNA position 382, G replaced by A.
Protein change: p.Val128Met; replaces valine 128 with methionine.
Molecular consequence: missense variant.
Genome position (GRCh38, 1-based): chr6:136,845,657, G>A. VCF-style: chr6-136845657-G-A. GRCh37 (hg19) VCF-style: chr6-137166795-G-A.
Other names: c.268G>A, p.Val90Met (NM_001410945.1); short protein forms V128M, V90M.
Identifiers: ClinVar variation 1927661 (VCV001927661.5), dbSNP rs1046525626, ClinGen allele CA365856828.
Genomic context (GRCh38, chr6:136,845,657, plus strand): 5'-ACTTTTCAATGTTTTTAGGTGTATAGTGTTGATTGGAGCCAAACCAGAGGTGAACAGCTT[G>A]TGGTGTCTGGCTCATGGGATCAAACTGTCAAATTGGTATGTTAGCATTATTGTATTCAAA-3'
Protein context (NP_000279.1, residues 118-138): DWSQTRGEQL[Val128Met]VSGSWDQTVK